The following is an entry in ClinVar:

NM_000180.4(GUCY2D):c.1566+3G>T

Gene: GUCY2D (guanylate cyclase 2D, retinal; plus strand). Cytogenetic location: 17p13.1.
Variant type: single nucleotide variant.
Coding change: c.1566+3G>T on transcript NM_000180.4 (MANE Select); 3 bases into the intron after coding-DNA position 1566, G replaced by T.
Molecular consequence: intron variant.
Genome position (GRCh38, 1-based): chr17:8,007,531, G>T. VCF-style: chr17-8007531-G-T. GRCh37 (hg19) VCF-style: chr17-7910849-G-T.
Identifiers: ClinVar variation 444398 (VCV000444398.52), dbSNP rs752607737, ClinGen allele CA8365793.
Genomic context (GRCh38, chr17:8,007,531, plus strand): 5'-CATCCTGACCGTGGACGACATCACCTTTCTCCACCCACATGGGGGCACCTCTCGAAAGGT[G>T]GGGGAGGCAGAGAGGCAGGAGCCAGTTGTCTTCTTTCCGTAAATTTGGTTCCTTCCCTGG-3'

ClinVar aggregate classification (germline): Uncertain significance. Review status: criteria provided, multiple submitters, no conflicts (2 of 4 stars). 5 submissions from 5 submitters: Uncertain significance (5). Last evaluated 2026-03-18.

Conditions:
Choroidal dystrophy, central areolar, 1. Identifiers: Orphanet 75377, MedGen C4551884, MONDO:0024539, OMIM 215500.
Leber congenital amaurosis 1 (LCA1). Also called: AMAUROSIS CONGENITA OF LEBER I; RETINAL BLINDNESS, CONGENITAL; Congenital absence of the rods and cones; Leber's congenital tapetoretinal degeneration; Leber's congenital tapetoretinal dysplasia. Identifiers: Orphanet 65, MedGen C2931258, MONDO:0008764, OMIM 204000.
Cone-rod dystrophy 6 (CORD6). Also called: RETINAL CONE DYSTROPHY 2; Cone dystrophy progressive. Identifiers: Orphanet 1872, MedGen C1866293, MONDO:0011143, OMIM 601777.
GUCY2D-related disorder. Also called: GUCY2D-related condition.

Allele frequency attached by ClinVar (database versions not stated): ExAC 0.00001; gnomAD exomes 0.00002.
gnomAD v4.1: 9 of 1,565,842 alleles (0.00057%); highest among the groups gnomAD compares: Admixed American, 0.0033%; no homozygotes.

Submissions (5):

PreventionGenetics, part of Exact Sciences
Classification: Uncertain significance for GUCY2D-related condition. Last evaluated: 2026-03-18. Review status: criteria provided, single submitter. Criteria: ACMG Guidelines, 2015. Collection method: clinical testing. Allele origin: germline.
Comment: The GUCY2D c.1566+3G>T variant is predicted to interfere with splicing. This variant is predicted to impact splicing by one available splicing algorithm (SpliceAI, Jaganathan et al. 2019. PubMed ID: 30661751). To our knowledge, this variant has not been reported in the literature. This variant is reported in 0.0029% of alleles in individuals of Latino descent in gnomAD. At this time, the clinical significance of this variant is uncertain due to the absence of conclusive functional and genetic evidence.

Labcorp Genetics (formerly Invitae), Labcorp
Classification: Uncertain significance for Leber congenital amaurosis 1; Cone-rod dystrophy 6. Last evaluated: 2025-12-16. Review status: criteria provided, single submitter. Criteria: Invitae Variant Classification Sherloc (09022015). Collection method: clinical testing. Allele origin: germline.
Comment: This sequence change falls in intron 6 of the GUCY2D gene. It does not directly change the encoded amino acid sequence of the GUCY2D protein. It affects a nucleotide within the consensus splice site. This variant is present in population databases (rs752607737, gnomAD 0.003%). This variant has not been reported in the literature in individuals affected with GUCY2D-related conditions. ClinVar contains an entry for this variant (Variation ID: 444398). Variants that disrupt the consensus splice site are a relatively common cause of aberrant splicing (PMID: 17576681, 9536098). Algorithms developed to predict the effect of sequence changes on RNA splicing suggest that this variant may disrupt the consensus splice site. In summary, the available evidence is currently insufficient to determine the role of this variant in disease. Therefore, it has been classified as a Variant of Uncertain Significance.

Blueprint Genetics
Classification: Uncertain significance. Last evaluated: 2024-10-08. Review status: criteria provided, single submitter. Criteria: ACMG Guidelines, 2015. Collection method: clinical testing. Allele origin: germline.

Centre for Mendelian Genomics, University Medical Centre Ljubljana
Classification: Uncertain significance for Choroidal dystrophy, central areolar, 1. Last evaluated: 2019-10-28. Review status: criteria provided, single submitter. Criteria: ACMG Guidelines, 2015. Collection method: clinical testing. Allele origin: unknown. Affected: yes.
Comment: This variant was classified as: Uncertain significance. The available evidence on this variant's pathogenicity is insufficient or conflicting. The following ACMG criteria were applied in classifying this variant: BP4.

CeGaT Center for Human Genetics Tuebingen
Classification: Uncertain significance. Last evaluated: 2017-05-01. Review status: criteria provided, single submitter. Criteria: CeGaT Center For Human Genetics Tuebingen Variant Classification Criteria Version 2. Collection method: clinical testing. Allele origin: germline. Affected: yes. Observed: 1 variant allele.

Literature cited by the submitters: PubMed 17576681 (cited by Labcorp Genetics (formerly Invitae), Labcorp); PubMed 9536098 (cited by Labcorp Genetics (formerly Invitae), Labcorp).